The following is an entry in ClinVar:

ClinVar aggregate classification (germline): Uncertain significance (1 of 4 stars; one submission).

Conditions:
Neuronal ceroid lipofuscinosis. Also called: Neuronal Ceroid Lipofuscinoses. Identifiers: Orphanet 216, Orphanet 79263, MedGen C0027877, MONDO:0016295. Disease mechanism: loss of function.

Allele frequency attached by ClinVar (database versions not stated): gnomAD exomes below 0.00001.
gnomAD v4.1: 1 of 1,614,222 alleles (0.000062%); highest among the groups gnomAD compares: Non-Finnish European, 0.000085%; no homozygotes.

Submission:

Labcorp Genetics (formerly Invitae), Labcorp
Classification: Uncertain significance for Neuronal ceroid lipofuscinosis. Last evaluated: 2021-09-17. Review status: criteria provided, single submitter. Criteria: Invitae Variant Classification Sherloc (09022015). Collection method: clinical testing. Allele origin: germline.
Comment: This sequence change replaces tryptophan with arginine at codon 249 of the CLN8 protein (p.Trp249Arg). The tryptophan residue is highly conserved and there is a moderate physicochemical difference between tryptophan and arginine. This variant is not present in population databases (ExAC no frequency). This variant has not been reported in the literature in individuals with CLN8-related conditions. Advanced modeling of protein sequence and biophysical properties (such as structural, functional, and spatial information, amino acid conservation, physicochemical variation, residue mobility, and thermodynamic stability) performed at Invitae indicates that this missense variant is expected to disrupt CLN8 protein function. In summary, the available evidence is currently insufficient to determine the role of this variant in disease. Therefore, it has been classified as a Variant of Uncertain Significance.

NM_018941.4(CLN8):c.745T>C (p.Trp249Arg)

Gene: CLN8 (CLN8 transmembrane ER and ERGIC protein; plus strand). Cytogenetic location: 8p23.3.
Variant type: single nucleotide variant.
Coding change: c.745T>C on transcript NM_018941.4 (MANE Select); coding-DNA position 745, T replaced by C.
Protein change: p.Trp249Arg; replaces tryptophan 249 with arginine.
Molecular consequence: missense variant.
Genome position (GRCh38, 1-based): chr8:1,780,451, T>C. VCF-style: chr8-1780451-T-C. GRCh37 (hg19) VCF-style: chr8-1728617-T-C.
Other names: short protein forms W249R.
Identifiers: ClinVar variation 2166847 (VCV002166847.1), dbSNP rs2486490378, ClinGen allele CA369954230.